The following is an entry in ClinVar:

NM_000384.3(APOB):c.12677C>T (p.Thr4226Met)

Gene: APOB (apolipoprotein B; minus strand). Cytogenetic location: 2p24.1.
Variant type: single nucleotide variant.
Coding change: c.12677C>T on transcript NM_000384.3 (MANE Select); coding-DNA position 12677, C replaced by T.
Protein change: p.Thr4226Met; replaces threonine 4226 with methionine.
Molecular consequence: missense variant.
Genome position (GRCh38, 1-based): chr2:21,002,745, G>A on the plus strand (C>T on the coding strand, the complement: APOB is on the minus strand). VCF-style: chr2-21002745-G-A. GRCh37 (hg19) VCF-style: chr2-21225617-G-A.
Other names: short protein forms T4226M.
Identifiers: ClinVar variation 921269 (VCV000921269.9), dbSNP rs371177562, ClinGen allele CA43488754.

ClinVar aggregate classification (germline): Conflicting classifications of pathogenicity. Review status: criteria provided, conflicting classifications (1 of 4 stars). 4 submissions from 4 submitters: Uncertain significance (2); Likely benign (2). Last evaluated 2024-12-23.

Conditions:
Familial hypobetalipoproteinemia 1. Also called: Hypobetalipoproteinemia, normotriglyceridemic; Acanthocytosis with hypobetalipoproteinemia; APOB-Related Familial Hypobetalipoproteinemia. Identifiers: MedGen C4551990, MONDO:0014252, OMIM 615558.
Hypercholesterolemia, autosomal dominant, type B (FHCL2). Also called: Familial Hypercholesterolemia Type B; HYPERCHOLESTEROLEMIA, FAMILIAL, DUE TO LIGAND-DEFECTIVE APOLIPOPROTEIN B; Familial hypercholesterolemia 2; APOB-Related Familial Hypercholesterolemia, Autosomal Dominant; APOLIPOPROTEIN B-100, FAMILIAL DEFECTIVE; APOLIPOPROTEIN B-100, FAMILIAL LIGAND-DEFECTIVE. Identifiers: MedGen C1704417, MONDO:0007751, OMIM 144010.
Cardiovascular phenotype. Identifiers: MedGen CN230736.

Allele frequency attached by ClinVar (database versions not stated): gnomAD 0.00006; ESP Exome Variant Server 0.00008; TOPMed 0.00005.
gnomAD v4.1: 27 of 1,610,540 alleles (0.0017%); highest among the groups gnomAD compares: Middle Eastern, 0.033%; no homozygotes.

Submissions (4):

Quest Diagnostics Nichols Institute San Juan Capistrano
Classification: Uncertain significance. Last evaluated: 2024-12-23. Review status: criteria provided, single submitter. Criteria: Quest Diagnostics criteria. Collection method: clinical testing. Allele origin: unknown.
Comment: The APOB c.12677C>T (p.Thr4226Met) variant has been reported in the published literature in an individual with ischemic strokes, as well as in reportedly healthy individuals (PMID: 36973604 (2023)). The frequency of this variant in the general population (Genome Aggregation Database) is uninformative in the assessment of its pathogenicity. Analysis of this variant using bioinformatics tools for the prediction of the effect of amino acid changes on protein structure and function yielded predictions that this variant is benign. Based on the available information, we are unable to determine the clinical significance of this variant.

Labcorp Genetics (formerly Invitae), Labcorp
Classification: Likely benign for Familial hypobetalipoproteinemia 1; Hypercholesterolemia, autosomal dominant, type B. Last evaluated: 2023-03-18. Review status: criteria provided, single submitter. Criteria: Invitae Variant Classification Sherloc (09022015). Collection method: clinical testing. Allele origin: germline.

Ambry Genetics
Classification: Likely benign for Cardiovascular phenotype. Last evaluated: 2022-04-19. Review status: criteria provided, single submitter. Criteria: Ambry Variant Classification Scheme 2023. Collection method: clinical testing. Allele origin: germline.

Fulgent Genetics
Classification: Uncertain significance for Hypercholesterolemia, autosomal dominant, type B; Familial hypobetalipoproteinemia 1. Last evaluated: 2021-09-13. Review status: criteria provided, single submitter. Criteria: ACMG Guidelines, 2015. Collection method: clinical testing. Allele origin: unknown.

Literature cited by the submitters: PubMed 36973604 (cited by Quest Diagnostics Nichols Institute San Juan Capistrano).